The following is an entry in ClinVar:

NM_001385174.1(USP36):c.762G>A (p.Lys254=)

Gene: USP36 (ubiquitin specific peptidase 36; minus strand). Cytogenetic location: 17q25.3.
Variant type: single nucleotide variant.
Coding change: c.762G>A on transcript NM_001385174.1 (MANE Select); coding-DNA position 762, G replaced by A.
Protein change: p.Lys254=; no amino-acid change (lysine 254 retained).
Molecular consequence: synonymous variant. On other transcripts: non-coding transcript variant (4).
Genome position (GRCh38, 1-based): chr17:78,821,057, C>T on the plus strand (G>A on the coding strand, the complement: USP36 is on the minus strand). VCF-style: chr17-78821057-C-T. GRCh37 (hg19) VCF-style: chr17-76817139-C-T.
Other names: c.762G>A, p.Lys254= (NM_001321291.2, NM_001385169.1, NM_001385170.1 and 5 more transcripts); c.267G>A, p.Lys89= (NM_001385177.1, NM_001385178.1); c.132G>A, p.Lys44= (NM_001385179.1); c.105G>A, p.Lys35= (NM_001385180.1).
Identifiers: ClinVar variation 2648381 (VCV002648381.24), dbSNP rs2545431083, ClinGen allele CA502129986.

ClinVar aggregate classification (germline): Likely benign (1 of 4 stars; one submission).

Allele frequency attached by ClinVar (database versions not stated): gnomAD exomes 0.00002.
gnomAD v4.1: 26 of 1,601,294 alleles (0.0016%); highest among the groups gnomAD compares: Non-Finnish European, 0.0022%; no homozygotes.

Submission:

CeGaT Center for Human Genetics Tuebingen
Classification: Likely benign. Last evaluated: 2023-03-01. Review status: criteria provided, single submitter. Criteria: CeGaT Center For Human Genetics Tuebingen Variant Classification Criteria Version 2. Collection method: clinical testing. Allele origin: germline. Affected: yes. Observed: 1 variant allele.
Comment: USP36: PM2:Supporting, BP4, BP7